The following is an entry in ClinVar:

ClinVar aggregate classification (germline): Uncertain significance. Review status: criteria provided, multiple submitters, no conflicts (2 of 4 stars). 7 submissions from 7 submitters: Uncertain significance (6). 1 of the submissions does not count toward it. Last evaluated 2025-05-09.

Conditions:
Hermansky-Pudlak syndrome 2 (HPS2). Also called: Platelet defects and oculocutaneous albinism. Identifiers: Orphanet 183678, Orphanet 79430, MedGen C1842362, MONDO:0011997, OMIM 608233.
AP3B1-related disorder. Also called: AP3B1-related condition.

Allele frequency attached by ClinVar (database versions not stated): ESP Exome Variant Server 0.00008; gnomAD 0.00013 and 0.00015; TOPMed 0.00017; 1000 Genomes Project 0.00020; ExAC 0.00021; gnomAD exomes 0.00023 and 0.00027; 1000 Genomes Project 30x 0.00047.
gnomAD v4.1: 428 of 1,613,460 alleles (0.027%); highest among the groups gnomAD compares: Middle Eastern, 0.066%; no homozygotes.

Submissions (7):

Women's Health and Genetics/Laboratory Corporation of America, LabCorp
Classification: Uncertain significance. Last evaluated: 2025-05-09. Review status: criteria provided, single submitter. Criteria: LabCorp Variant Classification Summary - May 2015. Collection method: clinical testing. Allele origin: germline.
Comment: Variant summary: AP3B1 c.1720A>G (p.Thr574Ala) results in a non-conservative amino acid change in the encoded protein sequence. Algorithms developed to predict the effect of missense changes on protein structure and function are either unavailable or do not agree on the potential impact of this missense change. The variant allele was found at a frequency of 0.00023 in 251288 control chromosomes. This frequency is not significantly higher than estimated for a pathogenic variant in AP3B1 causing Hermansky-Pudlak Syndrome (0.00023 vs 0.0005), allowing no conclusion about variant significance. To our knowledge, no occurrence of c.1720A>G in individuals affected with Hermansky-Pudlak Syndrome and no experimental evidence demonstrating its impact on protein function have been reported. ClinVar contains an entry for this variant (Variation ID: 354236). Based on the evidence outlined above, the variant was classified as uncertain significance.

GeneDx
Classification: Uncertain significance. Last evaluated: 2022-12-15. Review status: criteria provided, single submitter. Criteria: GeneDx Variant Classification Process June 2021. Collection method: clinical testing. Allele origin: germline. Affected: yes.
Comment: Has not been previously published as pathogenic or benign to our knowledge; In silico analysis supports that this missense variant does not alter protein structure/function

Labcorp Genetics (formerly Invitae), Labcorp
Classification: Uncertain significance for Hermansky-Pudlak syndrome 2. Last evaluated: 2022-08-16. Review status: criteria provided, single submitter. Criteria: Invitae Variant Classification Sherloc (09022015). Collection method: clinical testing. Allele origin: germline.
Comment: This sequence change replaces threonine, which is neutral and polar, with alanine, which is neutral and non-polar, at codon 574 of the AP3B1 protein (p.Thr574Ala). This variant is present in population databases (rs141789572, gnomAD 0.1%). This variant has not been reported in the literature in individuals affected with AP3B1-related conditions. ClinVar contains an entry for this variant (Variation ID: 354236). Algorithms developed to predict the effect of missense changes on protein structure and function (SIFT, PolyPhen-2, Align-GVGD) all suggest that this variant is likely to be tolerated. In summary, the available evidence is currently insufficient to determine the role of this variant in disease. Therefore, it has been classified as a Variant of Uncertain Significance.

Fulgent Genetics
Classification: Uncertain significance for Hermansky-Pudlak syndrome 2. Last evaluated: 2022-01-14. Review status: criteria provided, single submitter. Criteria: ACMG Guidelines, 2015. Collection method: clinical testing. Allele origin: unknown.

Illumina Laboratory Services, Illumina
Classification: Uncertain significance for Hermansky-Pudlak syndrome 2. Last evaluated: 2018-01-13. Review status: criteria provided, single submitter. Criteria: ICSL Variant Classification Criteria 13 December 2019. Collection method: clinical testing. Allele origin: germline.

Breakthrough Genomics
Classification: Uncertain significance. Review status: criteria provided, single submitter. Criteria: ACMG Guidelines, 2015. Collection method: not provided. Allele origin: germline. Inheritance: Autosomal recessive inheritance. Affected: yes.

PreventionGenetics, part of Exact Sciences
Classification: Uncertain significance for AP3B1-related condition. Last evaluated: 2024-08-23. Review status: no assertion criteria provided. Collection method: clinical testing. Allele origin: germline. Not counted in ClinVar's aggregate classification.
Comment: The AP3B1 c.1720A>G variant is predicted to result in the amino acid substitution p.Thr574Ala. To our knowledge, this variant has not been reported in the literature. This variant is reported in 0.14% of alleles in individuals of Ashkenazi Jewish descent in gnomAD. At this time, the clinical significance of this variant is uncertain due to the absence of conclusive functional and genetic evidence.

NM_003664.5(AP3B1):c.1720A>G (p.Thr574Ala)

Gene: AP3B1 (adaptor related protein complex 3 subunit beta 1; minus strand). Cytogenetic location: 5q14.1.
Variant type: single nucleotide variant.
Coding change: c.1720A>G on transcript NM_003664.5 (MANE Select); coding-DNA position 1720, A replaced by G.
Protein change: p.Thr574Ala; replaces threonine 574 with alanine.
Molecular consequence: missense variant.
Genome position (GRCh38, 1-based): chr5:78,129,238, T>C on the plus strand (A>G on the coding strand, the complement: AP3B1 is on the minus strand). VCF-style: chr5-78129238-T-C. GRCh37 (hg19) VCF-style: chr5-77425062-T-C.
Other names: c.1573A>G, p.Thr525Ala (NM_001271769.2); short protein forms T574A, T525A.
Identifiers: ClinVar variation 354236 (VCV000354236.15), dbSNP rs141789572, ClinGen allele CA3316979.